The following is an entry in ClinVar:

NM_001048174.2(MUTYH):c.1269dup (p.Thr424fs)

Gene: MUTYH (mutY DNA glycosylase; minus strand). Cytogenetic location: 1p34.1.
Variant type: Duplication.
Coding change: c.1269dup on transcript NM_001048174.2 (MANE Select); coding-DNA position 1269, one base duplicated (G; older notation c.1269dupG).
Protein change: p.Thr424fs; shifts the reading frame from threonine 424.
Molecular consequence: frameshift variant. On other transcripts: non-coding transcript variant (7).
Genome position (GRCh38, 1-based): chr1:45,331,305, C duplicated on the plus strand (G on the coding strand, the reverse complement: MUTYH is on the minus strand). VCF-style (leftmost placement, unchanged base first): chr1-45331304-T-TC. GRCh37 (hg19) VCF-style: chr1-45796976-T-TC.
Other names: c.1230dup, p.Thr411fs (NM_001407079.1); c.1227dup, p.Thr410fs (NM_001407080.1); c.1269dup, p.Thr424fs (NM_001407081.1, NM_001407088.1, NM_001407089.1 and 6 more transcripts); c.924dup, p.Thr309fs (NM_001407082.1, NM_001350650.2, NM_001350651.2); c.1311dup, p.Thr438fs (NM_001407083.1, NM_001407085.1); c.1272dup, p.Thr425fs (NM_001407086.1, NM_001048172.2, NM_001407071.1 and 1 more transcripts); c.1290dup, p.Thr431fs (NM_001407087.1); c.993dup, p.Thr332fs (NM_001407091.1, NM_001293192.2, NM_001293196.2); and 5 more; short protein forms T309fs, T332fs, T396fs, T410fs, T411fs, T424fs, T425fs, T431fs.
Identifiers: ClinVar variation 2573244 (VCV002573244.4), dbSNP rs2523923671, ClinGen allele CA2580612553.

ClinVar aggregate classification (germline): Pathogenic/Likely pathogenic. Review status: criteria provided, multiple submitters, no conflicts (2 of 4 stars). 2 submissions from 2 submitters: Pathogenic (1); Likely pathogenic (1). Last evaluated 2023-03-21.

Conditions:
Familial adenomatous polyposis 2. Also called: ADENOMAS, MULTIPLE COLORECTAL, AUTOSOMAL RECESSIVE; MUTYH-associated polyposis; COLORECTAL ADENOMATOUS POLYPOSIS, AUTOSOMAL RECESSIVE; MUTYH Polyposis; MYH-associated polyposis; Adenomas, multiple colorectal. Identifiers: Orphanet 220460, Orphanet 247798, MedGen C3272841, MONDO:0012041, OMIM 608456.

Submissions (2):

Myriad Genetics, Inc.
Classification: Likely pathogenic for Familial adenomatous polyposis 2. Last evaluated: 2023-03-21. Review status: criteria provided, single submitter. Criteria: Myriad Autosomal Dominant, Autosomal Recessive and X-Linked Classification Criteria (2023). Collection method: clinical testing. Allele origin: unknown.
Comment: This variant is considered likely pathogenic. This variant creates a frameshift predicted to result in premature protein truncation.

Labcorp Genetics (formerly Invitae), Labcorp
Classification: Pathogenic for Familial adenomatous polyposis 2. Last evaluated: 2023-01-06. Review status: criteria provided, single submitter. Criteria: Invitae Variant Classification Sherloc (09022015). Collection method: clinical testing. Allele origin: germline.
Comment: This sequence change creates a premature translational stop signal (p.Thr452Aspfs*80) in the MUTYH gene. While this is not anticipated to result in nonsense mediated decay, it is expected to disrupt the last 98 amino acid(s) of the MUTYH protein. For these reasons, this variant has been classified as Pathogenic. This variant disrupts a region of the MUTYH protein in which other variant(s) (p.Ser518Valfs*53) have been determined to be pathogenic (PMID: 11092888, 11433026, 11864576, 26377631). This suggests that this is a clinically significant region of the protein, and that variants that disrupt it are likely to be disease-causing. This variant has not been reported in the literature in individuals affected with MUTYH-related conditions. This variant is not present in population databases (gnomAD no frequency).

Literature cited by the submitters: PubMed 11092888 (cited by Labcorp Genetics (formerly Invitae), Labcorp); PubMed 11433026 (cited by Labcorp Genetics (formerly Invitae), Labcorp); PubMed 11864576 (cited by Labcorp Genetics (formerly Invitae), Labcorp); PubMed 26377631 (cited by Labcorp Genetics (formerly Invitae), Labcorp).